The following is an entry in ClinVar:

NM_002206.3(ITGA7):c.1589C>T (p.Ala530Val)

Gene: ITGA7 (integrin subunit alpha 7; minus strand). Cytogenetic location: 12q13.2.
Variant type: single nucleotide variant.
Coding change: c.1589C>T on transcript NM_002206.3 (MANE Select); coding-DNA position 1589, C replaced by T.
Protein change: p.Ala530Val; replaces alanine 530 with valine.
Molecular consequence: missense variant.
Genome position (GRCh38, 1-based): chr12:55,697,047, G>A on the plus strand (C>T on the coding strand, the complement: ITGA7 is on the minus strand). VCF-style: chr12-55697047-G-A. GRCh37 (hg19) VCF-style: chr12-56090831-G-A.
Other names: c.1601C>T, p.Ala534Val (NM_001144996.2); c.1310C>T, p.Ala437Val (NM_001144997.2); c.1262C>T, p.Ala421Val (NM_001367993.1); c.245C>T, p.Ala82Val (NM_001367994.1); c.1571C>T, p.Ala524Val (NM_001374465.1); c.1721C>T, p.Ala574Val (NM_001410977.1); c.1583C>T, p.Ala528Val (NM_001414029.1); c.1514C>T, p.Ala505Val (NM_001414030.1); and 5 more; short protein forms A530V, A437V, A421V, A534V, A82V, A524V, A574V, A417V.
Identifiers: ClinVar variation 94032 (VCV000094032.19), dbSNP rs200267194, ClinGen allele CA221917.

ClinVar aggregate classification (germline): Uncertain significance. Review status: criteria provided, multiple submitters, no conflicts (2 of 4 stars). 5 submissions from 5 submitters: Uncertain significance (5). Last evaluated 2023-05-16.

Conditions:
Congenital muscular dystrophy due to integrin alpha-7 deficiency. Also called: Congenital muscular dystrophy with integrin alpha-7 deficiency; Muscular dystrophy, congenital, due to ITGA7 deficiency; MYOPATHY, CONGENITAL, DUE TO INTEGRIN ALPHA-7 DEFICIENCY. Identifiers: Orphanet 34520, MedGen C2750786, MONDO:0013177, OMIM 613204.

Allele frequency attached by ClinVar (database versions not stated): gnomAD 0.00010 and 0.00011; TOPMed 0.00009; ExAC 0.00008; ESP Exome Variant Server 0.00015; gnomAD exomes 0.00004 and 0.00009.

Submissions (5):

Revvity Omics, Revvity
Classification: Uncertain significance for Congenital muscular dystrophy due to integrin alpha-7 deficiency. Last evaluated: 2023-05-16. Review status: criteria provided, single submitter. Criteria: ACMG Guidelines, 2015. Collection method: clinical testing. Allele origin: germline.

GeneDx
Classification: Uncertain significance. Last evaluated: 2023-04-18. Review status: criteria provided, single submitter. Criteria: GeneDx Variant Classification Process June 2021. Collection method: clinical testing. Allele origin: germline. Affected: yes.
Comment: Has not been previously published as pathogenic or benign to our knowledge; In silico analysis supports that this missense variant has a deleterious effect on protein structure/function

Labcorp Genetics (formerly Invitae), Labcorp
Classification: Uncertain significance for Congenital muscular dystrophy due to integrin alpha-7 deficiency. Last evaluated: 2022-08-15. Review status: criteria provided, single submitter. Criteria: Invitae Variant Classification Sherloc (09022015). Collection method: clinical testing. Allele origin: germline.
Comment: This sequence change replaces alanine, which is neutral and non-polar, with valine, which is neutral and non-polar, at codon 530 of the ITGA7 protein (p.Ala530Val). This variant is present in population databases (rs200267194, gnomAD 0.02%). This variant has not been reported in the literature in individuals affected with ITGA7-related conditions. ClinVar contains an entry for this variant (Variation ID: 94032). Algorithms developed to predict the effect of missense changes on protein structure and function are either unavailable or do not agree on the potential impact of this missense change (SIFT: "Deleterious"; PolyPhen-2: "Probably Damaging"; Align-GVGD: "Class C0"). In summary, the available evidence is currently insufficient to determine the role of this variant in disease. Therefore, it has been classified as a Variant of Uncertain Significance.

Baylor Genetics
Classification: Uncertain significance for Congenital muscular dystrophy due to integrin alpha-7 deficiency. Last evaluated: 2019-09-11. Review status: criteria provided, single submitter. Criteria: ACMG Guidelines, 2015. Collection method: clinical testing. Allele origin: unknown. Affected: yes.
Comment: This variant was determined to be of uncertain significance according to ACMG Guidelines, 2015 [PMID:25741868].

Eurofins Ntd Llc (ga)
Classification: Uncertain significance. Last evaluated: 2013-05-29. Review status: criteria provided, single submitter. Criteria: EGL Classification Definitions 2015. Collection method: clinical testing. Allele origin: germline. Observed: 1 variant allele, 1 heterozygote.